The following is an entry in ClinVar:

ClinVar aggregate classification (germline): Uncertain significance (1 of 4 stars; one submission).

Allele frequency attached by ClinVar (database versions not stated): gnomAD exomes below 0.00001.

Submission:

Labcorp Genetics (formerly Invitae), Labcorp
Classification: Uncertain significance. Last evaluated: 2022-07-05. Review status: criteria provided, single submitter. Criteria: Invitae Variant Classification Sherloc (09022015). Collection method: clinical testing. Allele origin: germline.
Comment: In summary, the available evidence is currently insufficient to determine the role of this variant in disease. Therefore, it has been classified as a Variant of Uncertain Significance. Algorithms developed to predict the effect of missense changes on protein structure and function (SIFT, PolyPhen-2, Align-GVGD) all suggest that this variant is likely to be disruptive. ClinVar contains an entry for this variant (Variation ID: 1441313). This variant has not been reported in the literature in individuals affected with RBP3-related conditions. This variant is not present in population databases (gnomAD no frequency). This sequence change replaces leucine, which is neutral and non-polar, with arginine, which is basic and polar, at codon 27 of the RBP3 protein (p.Leu27Arg).

NM_002900.3(RBP3):c.80T>G (p.Leu27Arg)

Gene: RBP3 (retinol binding protein 3; plus strand). Cytogenetic location: 10q11.22.
Variant type: single nucleotide variant.
Coding change: c.80T>G on transcript NM_002900.3 (MANE Select); coding-DNA position 80, T replaced by G.
Protein change: p.Leu27Arg; replaces leucine 27 with arginine.
Molecular consequence: missense variant.
Genome position (GRCh38, 1-based): chr10:47,348,564, T>G. VCF-style: chr10-47348564-T-G. GRCh37 (hg19) VCF-style: chr10-48390798-A-C.
Other names: short protein forms L27R.
Identifiers: ClinVar variation 1441313 (VCV001441313.8), dbSNP rs890194848, ClinGen allele CA206459450.
Genomic context (GRCh38, chr10:47,348,564, plus strand): 5'-TGCTCATGTCCGTGCTGCTCTGTGGCCTGGCTGGCCCCACACACCTGTTCCAGCCAAGCC[T>G]GGTGCTGGACATGGCCAAGGTCCTCTTGGATAACTACTGCTTCCCGGAGAACCTGCTGGG-3'
Protein context (NP_002891.1, residues 17-37): AGPTHLFQPS[Leu27Arg]VLDMAKVLLD